The following is an entry in ClinVar:

ClinVar aggregate classification (germline): Uncertain significance. Review status: criteria provided, multiple submitters, no conflicts (2 of 4 stars). 2 submissions from 2 submitters: Uncertain significance (2). Last evaluated 2023-12-10.

Conditions:
Cardiovascular phenotype. Identifiers: MedGen CN230736.
Dilated cardiomyopathy 1KK (CMD1KK). Identifiers: Orphanet 154, Orphanet 75249, MedGen C3714995, MONDO:0014100, OMIM 615248.

Allele frequency attached by ClinVar (database versions not stated): gnomAD exomes below 0.00001; TOPMed below 0.00001; ExAC 0.00001.
gnomAD v4.1: 3 of 1,613,850 alleles (0.00019%); highest among the groups gnomAD compares: Non-Finnish European, 0.00017%; no homozygotes.

Submissions (2):

Ambry Genetics
Classification: Uncertain significance for Cardiovascular phenotype. Last evaluated: 2023-12-10. Review status: criteria provided, single submitter. Criteria: Ambry Variant Classification Scheme 2023. Collection method: clinical testing. Allele origin: germline.
Comment: The p.H1129R variant (also known as c.3386A>G), located in coding exon 16 of the MYPN gene, results from an A to G substitution at nucleotide position 3386. The histidine at codon 1129 is replaced by arginine, an amino acid with highly similar properties. This amino acid position is conserved. In addition, this alteration is predicted to be deleterious by in silico analysis. Since supporting evidence is limited at this time, the clinical significance of this alteration remains unclear.

Labcorp Genetics (formerly Invitae), Labcorp
Classification: Uncertain significance for Dilated cardiomyopathy 1KK. Last evaluated: 2022-08-16. Review status: criteria provided, single submitter. Criteria: Invitae Variant Classification Sherloc (09022015). Collection method: clinical testing. Allele origin: germline.
Comment: This sequence change replaces histidine, which is basic and polar, with arginine, which is basic and polar, at codon 1129 of the MYPN protein (p.His1129Arg). In summary, the available evidence is currently insufficient to determine the role of this variant in disease. Therefore, it has been classified as a Variant of Uncertain Significance. Algorithms developed to predict the effect of missense changes on protein structure and function are either unavailable or do not agree on the potential impact of this missense change (SIFT: "Tolerated"; PolyPhen-2: "Probably Damaging"; Align-GVGD: "Class C0"). ClinVar contains an entry for this variant (Variation ID: 1026688). This variant has not been reported in the literature in individuals affected with MYPN-related conditions. This variant is present in population databases (rs755783155, gnomAD no frequency).

NM_032578.4(MYPN):c.3386A>G (p.His1129Arg)

Gene: MYPN (myopalladin; plus strand). Cytogenetic location: 10q21.3.
Variant type: single nucleotide variant.
Coding change: c.3386A>G on transcript NM_032578.4 (MANE Select); coding-DNA position 3386, A replaced by G.
Protein change: p.His1129Arg; replaces histidine 1129 with arginine.
Molecular consequence: missense variant. On other transcripts: non-coding transcript variant (2).
Genome position (GRCh38, 1-based): chr10:68,199,468, A>G. VCF-style: chr10-68199468-A-G. GRCh37 (hg19) VCF-style: chr10-69959225-A-G.
Other names: c.3386A>G, p.His1129Arg (NM_001256267.2); c.2504A>G, p.His835Arg (NM_001256268.2); c.3386A>G (NM_032578.2); short protein forms H1129R, H835R.
Identifiers: ClinVar variation 1026688 (VCV001026688.7), dbSNP rs755783155, ClinGen allele CA5523033.
Genomic context (GRCh38, chr10:68,199,468, plus strand): 5'-ATGGCCAACCTGTGCTACCAGATGCCTCCCACAAGATGCTGGTCAGGGAGACCGGAGTCC[A>G]CTCTCTGCTCATTGACCCACTCACTCAGCGCGACGCAGGGACCTATAAGTGCATCGCTAC-3'
Protein context (NP_115967.2, residues 1119-1139): HKMLVRETGV[His1129Arg]SLLIDPLTQR